The following is an entry in ClinVar:

ClinVar aggregate classification (germline): Pathogenic/Likely pathogenic. Review status: criteria provided, multiple submitters, no conflicts (2 of 4 stars). 6 submissions from 6 submitters: Pathogenic (3); Likely pathogenic (2). 1 of the submissions does not count toward it. Last evaluated 2025-10-23.

Conditions:
PROP1-related disorder. Also called: PROP1-related condition.
Pituitary hormone deficiency, combined, 2. Also called: ATELIOTIC DWARFISM WITH HYPOGONADISM; HANHART DWARFISM; PROP1-Related Combined Pituitary Hormone Deficiency; PITUITARY DWARFISM III. Identifiers: MedGen C0878683, MONDO:0009878, OMIM 262600.

Allele frequency attached by ClinVar (database versions not stated): gnomAD 0.00001; TOPMed 0.00002.
gnomAD v4.1: 3 of 1,613,660 alleles (0.00019%); highest among the groups gnomAD compares: African/African-American, 0.0013%; no homozygotes.

Submissions (6):

PreventionGenetics, part of Exact Sciences
Classification: Pathogenic for PROP1-related condition. Last evaluated: 2025-10-23. Review status: criteria provided, single submitter. Criteria: ACMG Guidelines, 2015. Collection method: clinical testing. Allele origin: germline.
Comment: The PROP1 c.334C>T variant is predicted to result in premature protein termination (p.Arg112*). This variant has been reported in the homozygous and compound heterozygous states in multiple individuals with pituitary hormone deficiency (Ogo et al. 2011. PubMed ID: 22111336; Ziemnicka et al. 2015. PubMed ID: 26608600). This variant has not been reported in a large population database (gnomAD), indicating this variant is rare. Nonsense variants in PROP1 are expected to be pathogenic. This variant is interpreted as pathogenic.

Natera, Inc.
Classification: Likely pathogenic for Combined pituitary hormone deficiency type 2. Last evaluated: 2024-07-08. Review status: criteria provided, single submitter. Criteria: Natera Variant Classification Schema (03/2026). Collection method: clinical testing. Allele origin: germline.
Comment: The c.334C>T variant in PROP1 is a nonsense variant predicted to introduce a stop codon at amino acid 112. This variant is expected to result in nonsense mediated decay, truncation, or a dysfunctional protein product. This variant is rare in the general population with a frequency below the threshold expected for the associated phenotype(s). This variant has been observed in one or more individuals affected with the associated recessive disease, as either homozygous or compound heterozygous with a second variant (PMID: 26608600, 22111336). Additionally, this variant has been observed to segregate in affected family members (PMID: 26608600). Given the available evidence, this variant is classified as Likely Pathogenic.

Labcorp Genetics (formerly Invitae), Labcorp
Classification: Pathogenic. Last evaluated: 2024-01-13. Review status: criteria provided, single submitter. Criteria: Invitae Variant Classification Sherloc (09022015). Collection method: clinical testing. Allele origin: germline.
Comment: This sequence change creates a premature translational stop signal (p.Arg112*) in the PROP1 gene. While this is not anticipated to result in nonsense mediated decay, it is expected to disrupt the last 115 amino acid(s) of the PROP1 protein. This variant is not present in population databases (gnomAD no frequency). This premature translational stop signal has been observed in individual(s) with combined pituitary hormone deficiency (PMID: 22111336, 26608600). ClinVar contains an entry for this variant (Variation ID: 188982). This variant disrupts a region of the PROP1 protein in which other variant(s) (p.Ser156Phefs*37) have been determined to be pathogenic (PMID: 16759034, 20381582). This suggests that this is a clinically significant region of the protein, and that variants that disrupt it are likely to be disease-causing. For these reasons, this variant has been classified as Pathogenic.

Fulgent Genetics
Classification: Pathogenic for Pituitary hormone deficiency, combined, 2. Last evaluated: 2021-12-07. Review status: criteria provided, single submitter. Criteria: ACMG Guidelines, 2015. Collection method: clinical testing. Allele origin: unknown.

Illumina Laboratory Services, Illumina
Classification: Likely pathogenic for Pituitary hormone deficiency, combined, 2. Last evaluated: 2017-12-11. Review status: criteria provided, single submitter. Criteria: ICSL Variant Classification Criteria 09 May 2019. Collection method: clinical testing. Allele origin: germline.
Comment: The PROP1 c.334C>T (p.Arg112Ter) stop-gained variant has been reported in two studies and is found in a total of three individuals, including one in a homozygous state and two in a compound heterozygous state. The p.Arg112Ter variant is not found in the 1000 Genomes Project, the Exome Sequencing Project, Exome Aggregation Consortium, or the Genome Aggregation Database. The variant is in a region of good sequence coverage, so the variant is presumed to be rare. In silico prediction tools suggest that the variant disrupts the paired-like homeodomain that is required for DNA interaction with the PROP1 protein, leading to loss of DNA binding activity, although other studies suggest the protein maintains some functionality (Ziemnicka et al. 2015). Based on the evidence and the potential impact of stop-gained variants, the p.Arg112Ter variant is classified as likely pathogenic for combined pituitary hormone deficiency. This variant was observed by ICSL as part of a predisposition screen in an ostensibly healthy population.

Counsyl
Classification: Likely pathogenic for Pituitary hormone deficiency, combined 2. Last evaluated: 2014-09-25. Review status: no assertion criteria provided. Collection method: literature only. Allele origin: unknown. Inheritance: Autosomal recessive inheritance. Not counted in ClinVar's aggregate classification.

Literature cited by the submitters: PubMed 26608600 (cited by 3 submitters); PubMed 22111336 (cited by 4 submitters); PubMed 16759034 (cited by Labcorp Genetics (formerly Invitae), Labcorp); PubMed 20381582 (cited by Labcorp Genetics (formerly Invitae), Labcorp).

NM_006261.5(PROP1):c.334C>T (p.Arg112Ter)

Gene: PROP1 (PROP paired-like homeobox 1; minus strand). Cytogenetic location: 5q35.3.
Variant type: single nucleotide variant.
Coding change: c.334C>T on transcript NM_006261.5 (MANE Select); coding-DNA position 334, C replaced by T.
Protein change: p.Arg112Ter; replaces arginine 112 with a stop codon.
Molecular consequence: nonsense.
Genome position (GRCh38, 1-based): chr5:177,994,114, G>A on the plus strand (C>T on the coding strand, the complement: PROP1 is on the minus strand). VCF-style: chr5-177994114-G-A. GRCh37 (hg19) VCF-style: chr5-177421115-G-A.
Other names: short protein forms R112*.
Identifiers: ClinVar variation 188982 (VCV000188982.19), dbSNP rs766673446, ClinGen allele CA346833.